The following is an entry in ClinVar:

ClinVar aggregate classification (germline): Uncertain significance. Review status: criteria provided, multiple submitters, no conflicts (2 of 4 stars). 2 submissions from 2 submitters: Uncertain significance (2). Last evaluated 2025-11-20.

Conditions:
P4HA1-related disorder. Also called: P4HA1-related condition.

Allele frequency attached by ClinVar (database versions not stated): ExAC 0.00005; gnomAD 0.00009; TOPMed 0.00013; 1000 Genomes Project 30x 0.00016; 1000 Genomes Project 0.00020; gnomAD exomes 0.00020.
gnomAD v4.1: 294 of 1,550,972 alleles (0.019%); highest among the groups gnomAD compares: Non-Finnish European, 0.024%; no homozygotes.

Submissions (2):

Ambry Genetics
Classification: Uncertain significance. Last evaluated: 2025-11-20. Review status: criteria provided, single submitter. Criteria: Ambry Variant Classification Scheme 2023. Collection method: clinical testing. Allele origin: germline.

PreventionGenetics, part of Exact Sciences
Classification: Uncertain significance for P4HA1-related condition. Last evaluated: 2024-11-05. Review status: criteria provided, single submitter. Criteria: ACMG Guidelines, 2015. Collection method: clinical testing. Allele origin: germline.
Comment: The P4HA1 c.706C>A variant is predicted to result in the amino acid substitution p.Pro236Thr. To our knowledge, this variant has not been reported in the literature. This variant is reported in 0.012% of alleles in individuals of Latino descent in gnomAD. At this time, the clinical significance of this variant is uncertain due to the absence of conclusive functional and genetic evidence.

NM_001017962.3(P4HA1):c.706C>A (p.Pro236Thr)

Gene: P4HA1 (prolyl 4-hydroxylase subunit alpha 1; minus strand). Cytogenetic location: 10q22.1.
Variant type: single nucleotide variant.
Coding change: c.706C>A on transcript NM_001017962.3 (MANE Select); coding-DNA position 706, C replaced by A.
Protein change: p.Pro236Thr; replaces proline 236 with threonine.
Molecular consequence: missense variant.
Genome position (GRCh38, 1-based): chr10:73,051,247, G>T on the plus strand (C>A on the coding strand, the complement: P4HA1 is on the minus strand). VCF-style: chr10-73051247-G-T. GRCh37 (hg19) VCF-style: chr10-74811005-G-T.
Other names: c.706C>A, p.Pro236Thr (NM_000917.4, NM_001142595.2, NM_001142596.2); short protein forms P236T.
Identifiers: ClinVar variation 2595475 (VCV002595475.5), dbSNP rs183675937, ClinGen allele CA5551672.